The following is an entry in ClinVar:

ClinVar aggregate classification (germline): Likely benign. Review status: criteria provided, single submitter (1 of 4 stars). 2 submissions from 2 submitters: Likely benign (1). 1 of the submissions does not count toward it. Last evaluated 2024-07-05.

Conditions:
FDFT1-related disorder. Also called: FDFT1-related condition.

gnomAD v4.1: 52 of 1,461,434 alleles (0.0036%); highest among the groups gnomAD compares: East Asian, 0.054%; no homozygotes.

Submissions (2):

Blueprint Genetics
Classification: Likely benign. Last evaluated: 2024-07-05. Review status: criteria provided, single submitter. Criteria: ACMG Guidelines, 2015. Collection method: clinical testing. Allele origin: germline.

PreventionGenetics, part of Exact Sciences
Classification: Likely benign for FDFT1-related condition. Last evaluated: 2022-11-07. Review status: no assertion criteria provided. Collection method: clinical testing. Allele origin: germline. Not counted in ClinVar's aggregate classification.
Comment: This variant is classified as likely benign based on ACMG/AMP sequence variant interpretation guidelines (Richards et al. 2015 PMID: 25741868, with internal and published modifications).

NM_004462.5(FDFT1):c.100-130C>G

Genes: FDFT1 (farnesyl-diphosphate farnesyltransferase 1), LOC129999907 (ATAC-STARR-seq lymphoblastoid silent region 18943; plus strand). Cytogenetic location: 8p23.1.
Variant type: single nucleotide variant.
Coding change: c.100-130C>G on transcript NM_004462.5 (MANE Select); 130 bases into the intron before coding-DNA position 100, C replaced by G.
Molecular consequence: intron variant. On other transcripts: missense variant (1).
Genome position (GRCh38, 1-based): chr8:11,808,664, C>G. VCF-style: chr8-11808664-C-G. GRCh37 (hg19) VCF-style: chr8-11666173-C-G.
Other names: c.147C>G, p.Asp49Glu (NM_001287750.2); c.100-130C>G (NM_001287742.2, NM_001287743.2); c.-93-130C>G (NM_001287744.2, NM_001287745.2, NM_001287747.2 and 2 more transcripts); c.64+5754C>G (NM_001287756.2); short protein forms D49E.
Identifiers: ClinVar variation 3050246 (VCV003050246.3), dbSNP rs375613987, ClinGen allele CA172131057.
Genomic context (GRCh38, chr8:11,808,664, plus strand): 5'-GGGCGCAGGCACCGCCCCGCGGGGCTGCTGCTTGCCTCCTGCCGCCTGGCCCTGCAAGGA[C>G]TGGCCTCGGGGAGAGGGCGGCAGGCTGTGGAGCCGCCTGCCCCAGTCCCACTCCCACTCC-3'